The following is an entry in ClinVar:

NM_000370.3(TTPA):c.292G>T (p.Ala98Ser)

Gene: TTPA (alpha tocopherol transfer protein; minus strand). Cytogenetic location: 8q12.3.
Variant type: single nucleotide variant.
Coding change: c.292G>T on transcript NM_000370.3 (MANE Select); coding-DNA position 292, G replaced by T.
Protein change: p.Ala98Ser; replaces alanine 98 with serine.
Molecular consequence: missense variant.
Genome position (GRCh38, 1-based): chr8:63,073,001, C>A on the plus strand (G>T on the coding strand, the complement: TTPA is on the minus strand). VCF-style: chr8-63073001-C-A. GRCh37 (hg19) VCF-style: chr8-63985560-C-A.
Other names: short protein forms A98S.
Identifiers: ClinVar variation 1395076 (VCV001395076.6), dbSNP rs747563020, ClinGen allele CA371333786.

ClinVar aggregate classification (germline): Uncertain significance (1 of 4 stars; one submission).

Allele frequency attached by ClinVar (database versions not stated): TOPMed 0.00002.
gnomAD v4.1: 2 of 1,614,022 alleles (0.00012%); highest among the groups gnomAD compares: Non-Finnish European, 0.000085%; no homozygotes.

Submission:

Labcorp Genetics (formerly Invitae), Labcorp
Classification: Uncertain significance. Last evaluated: 2021-09-30. Review status: criteria provided, single submitter. Criteria: Invitae Variant Classification Sherloc (09022015). Collection method: clinical testing. Allele origin: germline.
Comment: This sequence change replaces alanine with serine at codon 98 of the TTPA protein (p.Ala98Ser). The alanine residue is highly conserved and there is a moderate physicochemical difference between alanine and serine. This variant is not present in population databases (ExAC no frequency). This variant has not been reported in the literature in individuals affected with TTPA-related conditions. Algorithms developed to predict the effect of missense changes on protein structure and function output the following: SIFT: "Deleterious"; PolyPhen-2: "Benign"; Align-GVGD: "Class C0". The serine amino acid residue is found in multiple mammalian species, which suggests that this missense change does not adversely affect protein function. In summary, the available evidence is currently insufficient to determine the role of this variant in disease. Therefore, it has been classified as a Variant of Uncertain Significance.